The following is an entry in ClinVar:

NM_001184.4(ATR):c.2684G>T (p.Cys895Phe)

Gene: ATR (ATR checkpoint kinase; minus strand). Cytogenetic location: 3q23.
Variant type: single nucleotide variant.
Coding change: c.2684G>T on transcript NM_001184.4 (MANE Select); coding-DNA position 2684, G replaced by T.
Protein change: p.Cys895Phe; replaces cysteine 895 with phenylalanine.
Molecular consequence: missense variant.
Genome position (GRCh38, 1-based): chr3:142,553,348, C>A on the plus strand (G>T on the coding strand, the complement: ATR is on the minus strand). VCF-style: chr3-142553348-C-A. GRCh37 (hg19) VCF-style: chr3-142272190-C-A.
Other names: c.2492G>T, p.Cys831Phe (NM_001354579.2); short protein forms C831F, C895F.
Identifiers: ClinVar variation 2587556 (VCV002587556.2), dbSNP rs1202782083, ClinGen allele CA354814743.

ClinVar aggregate classification (germline): Uncertain significance (1 of 4 stars; one submission).

Conditions:
Inborn genetic diseases. Identifiers: MedGen C0950123, MeSH D030342.

Submission:

Ambry Genetics
Classification: Uncertain significance for Inborn genetic diseases. Last evaluated: 2023-06-30. Review status: criteria provided, single submitter. Criteria: Ambry Variant Classification Scheme 2023. Collection method: clinical testing. Allele origin: germline.
Comment: The p.C895F variant (also known as c.2684G>T), located in coding exon 13 of the ATR gene, results from a G to T substitution at nucleotide position 2684. The cysteine at codon 895 is replaced by phenylalanine, an amino acid with highly dissimilar properties. This amino acid position is conserved. In addition, this alteration is predicted to be deleterious by in silico analysis. Since supporting evidence is limited at this time, the clinical significance of this alteration remains unclear.